The following is an entry in ClinVar:

NM_002180.3(IGHMBP2):c.2456C>T (p.Pro819Leu)

Gene: IGHMBP2 (immunoglobulin mu DNA binding protein 2; plus strand). Cytogenetic location: 11q13.3.
Variant type: single nucleotide variant.
Coding change: c.2456C>T on transcript NM_002180.3 (MANE Select); coding-DNA position 2456, C replaced by T.
Protein change: p.Pro819Leu; replaces proline 819 with leucine.
Molecular consequence: missense variant.
Genome position (GRCh38, 1-based): chr11:68,936,936, C>T. VCF-style: chr11-68936936-C-T. GRCh37 (hg19) VCF-style: chr11-68704404-C-T.
Other names: short protein forms P819L.
Identifiers: ClinVar variation 78659 (VCV000078659.9), dbSNP rs200072932, ClinGen allele CA6153912.

ClinVar aggregate classification (germline): Uncertain significance (1 of 4 stars; one submission).

Conditions:
Autosomal recessive distal spinal muscular atrophy 1. Also called: NEURONOPATHY, DISTAL HEREDITARY MOTOR, HARDING TYPE VI; NEUROPATHY, DISTAL HEREDITARY MOTOR, AUTOSOMAL RECESSIVE 1; HMN VI; NEURONOPATHY, SEVERE INFANTILE AXONAL, WITH RESPIRATORY FAILURE; SEVERE INFANTILE AXONAL NEUROPATHY WITH RESPIRATORY FAILURE; SPINAL MUSCULAR ATROPHY, DIAPHRAGMATIC. Identifiers: Orphanet 98920, MedGen C1858517, MONDO:0011436, OMIM 604320.
Charcot-Marie-Tooth disease axonal type 2S. Also called: CHARCOT-MARIE-TOOTH DISEASE, AXONAL, AUTOSOMAL RECESSIVE, TYPE 2S; CHARCOT-MARIE-TOOTH NEUROPATHY, TYPE 2S. Identifiers: Orphanet 443073, MedGen C4015349, MONDO:0014511, OMIM 616155.

Allele frequency attached by ClinVar (database versions not stated): gnomAD exomes 0.00001 and below 0.00001; ExAC 0.00002; gnomAD 0.00002 and 0.00003; TOPMed 0.00002; 1000 Genomes Project 30x 0.00016; 1000 Genomes Project 0.00020.
gnomAD v4.1: 6 of 1,604,092 alleles (0.00037%); highest among the groups gnomAD compares: African/African-American, 0.008%; no homozygotes.

Submission:

Labcorp Genetics (formerly Invitae), Labcorp
Classification: Uncertain significance for Autosomal recessive distal spinal muscular atrophy 1; Charcot-Marie-Tooth disease axonal type 2S. Last evaluated: 2018-06-15. Review status: criteria provided, single submitter. Criteria: Invitae Variant Classification Sherloc (09022015). Collection method: clinical testing. Allele origin: germline.
Comment: Algorithms developed to predict the effect of missense changes on protein structure and function output the following: SIFT: "Tolerated"; PolyPhen-2: "Benign"; Align-GVGD: "Class C0". The leucine amino acid residue is found in multiple mammalian species, suggesting that this missense change does not adversely affect protein function. These predictions have not been confirmed by published functional studies and their clinical significance is uncertain. In summary, the available evidence is currently insufficient to determine the role of this variant in disease. Therefore, it has been classified as a Variant of Uncertain Significance. This variant has not been reported in the literature in individuals with IGHMBP2-related disease. This variant is present in population databases (rs200072932, ExAC 0.03%). This sequence change replaces proline with leucine at codon 819 of the IGHMBP2 protein (p.Pro819Leu). The proline residue is weakly conserved and there is a moderate physicochemical difference between proline and leucine.